The following is an entry in ClinVar:

NM_024426.6(WT1):c.792G>C (p.Gln264His)

Gene: WT1 (WT1 transcription factor; minus strand). Cytogenetic location: 11p13.
Variant type: single nucleotide variant.
Coding change: c.792G>C on transcript NM_024426.6 (MANE Select); coding-DNA position 792, G replaced by C.
Protein change: p.Gln264His; replaces glutamine 264 with histidine.
Molecular consequence: missense variant. On other transcripts: non-coding transcript variant (2).
Genome position (GRCh38, 1-based): chr11:32,428,051, C>G on the plus strand (G>C on the coding strand, the complement: WT1 is on the minus strand). VCF-style: chr11-32428051-C-G. GRCh37 (hg19) VCF-style: chr11-32449597-C-G.
Other names: c.792G>C, p.Gln264His (NM_000378.6, NM_024424.5, NM_001407044.1 and 4 more transcripts); c.141G>C, p.Gln47His (NM_001198551.2, NM_001198552.2); c.573G>C, p.Gln191His (NM_001429032.1, NM_001429033.1, NM_001429034.1 and 1 more transcripts); c.669G>C, p.Gln223His (NM_001407047.1, NM_001407050.1); c.30G>C, p.Gln10His (NM_001407051.1); short protein forms Q191H, Q264H, Q47H, Q10H, Q223H, Q259H.
Identifiers: ClinVar variation 4827516 (VCV004827516.1).

ClinVar aggregate classification (germline): Uncertain significance (1 of 4 stars; one submission).

Conditions:
Inborn genetic diseases. Identifiers: MedGen C0950123, MeSH D030342.

Submission:

Ambry Genetics
Classification: Uncertain significance for Inborn genetic diseases. Last evaluated: 2026-02-26. Review status: criteria provided, single submitter. Criteria: Ambry Variant Classification Scheme 2023. Collection method: clinical testing. Allele origin: germline.
Comment: The p.Q259H variant (also known as c.777G>C), located in coding exon 3 of the WT1 gene, results from a G to C substitution at nucleotide position 777. The glutamine at codon 259 is replaced by histidine, an amino acid with highly similar properties. This amino acid position is conserved. In addition, the in silico prediction for this alteration is inconclusive. Based on the available evidence, the clinical significance of this variant remains unclear.